The following is an entry in ClinVar:

ClinVar aggregate classification (germline): Uncertain significance (1 of 4 stars; one submission).

Conditions:
Multiple gastrointestinal atresias. Also called: FAMILIAL INTESTINAL POLYATRESIA SYNDROME; Multiple intestinal atresia. Identifiers: Orphanet 2300, MedGen C0220744, MONDO:0009465.

Allele frequency attached by ClinVar (database versions not stated): gnomAD 0.00003; ESP Exome Variant Server 0.00008.

Submission:

Labcorp Genetics (formerly Invitae), Labcorp
Classification: Uncertain significance for Multiple gastrointestinal atresias. Last evaluated: 2023-03-11. Review status: criteria provided, single submitter. Criteria: Invitae Variant Classification Sherloc (09022015). Collection method: clinical testing. Allele origin: germline.
Comment: In summary, the available evidence is currently insufficient to determine the role of this variant in disease. Therefore, it has been classified as a Variant of Uncertain Significance. Advanced modeling of protein sequence and biophysical properties (such as structural, functional, and spatial information, amino acid conservation, physicochemical variation, residue mobility, and thermodynamic stability) performed at Invitae indicates that this missense variant is expected to disrupt TTC7A protein function. This variant has not been reported in the literature in individuals affected with TTC7A-related conditions. This variant is present in population databases (rs145134902, gnomAD 0.03%). This sequence change replaces glutamine, which is neutral and polar, with arginine, which is basic and polar, at codon 212 of the TTC7A protein (p.Gln212Arg).

NM_020458.4(TTC7A):c.635A>G (p.Gln212Arg)

Genes: TTC7A (tetratricopeptide repeat domain 7A; plus strand), LOC126806211 (CDK7 strongly-dependent group 2 enhancer GRCh37_chr2:47201305-47202504; plus strand). Cytogenetic location: 2p21.
Variant type: single nucleotide variant.
Coding change: c.635A>G on transcript NM_020458.4 (MANE Select); coding-DNA position 635, A replaced by G.
Protein change: p.Gln212Arg; replaces glutamine 212 with arginine.
Molecular consequence: missense variant. On other transcripts: 5 prime UTR variant (1).
Genome position (GRCh38, 1-based): chr2:46,975,090, A>G. VCF-style: chr2-46975090-A-G. GRCh37 (hg19) VCF-style: chr2-47202229-A-G.
Other names: c.635A>G, p.Gln212Arg (NM_001288951.2); c.533A>G, p.Gln178Arg (NM_001288953.2); c.-270A>G (NM_001288955.2); short protein forms Q212R, Q178R.
Identifiers: ClinVar variation 2777679 (VCV002777679.3), dbSNP rs145134902, ClinGen allele CA46630783.